The following is an entry in ClinVar:

NM_006739.4(MCM5):c.550A>G (p.Met184Val)

Gene: MCM5 (minichromosome maintenance complex component 5; plus strand). Cytogenetic location: 22q12.3.
Variant type: single nucleotide variant.
Coding change: c.550A>G on transcript NM_006739.4 (MANE Select); coding-DNA position 550, A replaced by G.
Protein change: p.Met184Val; replaces methionine 184 with valine.
Molecular consequence: missense variant.
Genome position (GRCh38, 1-based): chr22:35,406,679, A>G. VCF-style: chr22-35406679-A-G. GRCh37 (hg19) VCF-style: chr22-35802672-A-G.
Other names: short protein forms M184V.
Identifiers: ClinVar variation 4778495 (VCV004778495.1).

ClinVar aggregate classification (germline): Uncertain significance (1 of 4 stars; one submission).

Submission:

Labcorp Genetics (formerly Invitae), Labcorp
Classification: Uncertain significance. Last evaluated: 2025-04-13. Review status: criteria provided, single submitter. Criteria: Invitae Variant Classification Sherloc (09022015). Collection method: clinical testing. Allele origin: germline.
Comment: This sequence change replaces methionine, which is neutral and non-polar, with valine, which is neutral and non-polar, at codon 184 of the MCM5 protein (p.Met184Val). This variant is present in population databases (rs764039495, gnomAD 0.0009%). This variant has not been reported in the literature in individuals affected with MCM5-related conditions. Invitae Evidence Modeling of protein sequence and biophysical properties (such as structural, functional, and spatial information, amino acid conservation, physicochemical variation, residue mobility, and thermodynamic stability) indicates that this missense variant is not expected to disrupt MCM5 protein function with a negative predictive value of 80%. In summary, the available evidence is currently insufficient to determine the role of this variant in disease. Therefore, it has been classified as a Variant of Uncertain Significance.